The following is an entry in ClinVar:

NM_005475.3(SH2B3):c.1264G>C (p.Gly422Arg)

Gene: SH2B3 (SH2B adaptor protein 3; plus strand). Cytogenetic location: 12q24.12.
Variant type: single nucleotide variant.
Coding change: c.1264G>C on transcript NM_005475.3 (MANE Select); coding-DNA position 1264, G replaced by C.
Protein change: p.Gly422Arg; replaces glycine 422 with arginine.
Molecular consequence: missense variant.
Genome position (GRCh38, 1-based): chr12:111,447,683, G>C. VCF-style: chr12-111447683-G-C. GRCh37 (hg19) VCF-style: chr12-111885487-G-C.
Other names: c.658G>C, p.Gly220Arg (NM_001291424.1); short protein forms G220R, G422R.
Identifiers: ClinVar variation 4630735 (VCV004630735.1).

ClinVar aggregate classification (germline): Uncertain significance (1 of 4 stars; one submission).

Conditions:
Inborn genetic diseases. Identifiers: MedGen C0950123, MeSH D030342.

Submission:

Ambry Genetics
Classification: Uncertain significance for Inborn genetic diseases. Last evaluated: 2025-10-27. Review status: criteria provided, single submitter. Criteria: Ambry Variant Classification Scheme 2023. Collection method: clinical testing. Allele origin: germline.
Comment: The p.G422R variant (also known as c.1264G>C), located in coding exon 6 of the SH2B3 gene, results from a G to C substitution at nucleotide position 1264. The glycine at codon 422 is replaced by arginine, an amino acid with dissimilar properties. This amino acid position is conserved. In addition, the in silico prediction for this alteration is inconclusive. Based on the available evidence, the clinical significance of this variant remains unclear.